The following is an entry in ClinVar:

NM_001148.6(ANK2):c.7616A>G (p.Asp2539Gly)

Genes: ANK2 (ankyrin 2; plus strand), LOC126807137 (CDK7 strongly-dependent group 2 enhancer GRCh37_chr4:114276560-114277759; plus strand). Cytogenetic location: 4q26.
Variant type: single nucleotide variant.
Coding change: c.7616A>G on transcript NM_001148.6 (MANE Select); coding-DNA position 7616, A replaced by G.
Protein change: p.Asp2539Gly; replaces aspartic acid 2539 with glycine.
Molecular consequence: missense variant. On other transcripts: intron variant (68).
Genome position (GRCh38, 1-based): chr4:113,356,234, A>G. VCF-style: chr4-113356234-A-G. GRCh37 (hg19) VCF-style: chr4-114277390-A-G.
Other names: c.7382A>G, p.Asp2461Gly (NM_001386142.1); c.4016A>G, p.Asp1339Gly (NM_001386166.1); c.7757A>G, p.Asp2586Gly (NM_001386174.1); c.7733A>G, p.Asp2578Gly (NM_001386175.1); c.4412-4589A>G (NM_001386186.2, NM_001386148.2); c.4214-4589A>G (NM_001354269.3); c.4292-4589A>G (NM_001386187.2); c.4253-4589A>G (NM_001386147.1); and 35 more; short protein forms D1339G, D2461G, D2586G, D2539G, D2578G.
Identifiers: ClinVar variation 2200881 (VCV002200881.5), dbSNP rs745427219, ClinGen allele CA3051625.
Genomic context (GRCh38, chr4:113,356,234, plus strand): 5'-ATGACAGTCTTGAGCAGACATCGCTCATGGAGAGCTCAGGGAAGAGCCCCCTTTCTCCTG[A>G]CACCCCCAGCTCTGAAGAAGTCAGCTATGAGGTTACACCCAAAACCACAGATGTAAGTAC-3'
Protein context (NP_001139.3, residues 2529-2549): ESSGKSPLSP[Asp2539Gly]TPSSEEVSYE

ClinVar aggregate classification (germline): Uncertain significance. Review status: criteria provided, multiple submitters, no conflicts (2 of 4 stars). 2 submissions from 2 submitters: Uncertain significance (2). Last evaluated 2025-06-22.

Conditions:
Cardiovascular phenotype. Identifiers: MedGen CN230736.
Long QT syndrome (LQTS). Identifiers: MedGen C0023976, MeSH D008133, MONDO:0002442. Disease mechanism: loss of function. Inheritance: Various modes of inheritance.

Allele frequency attached by ClinVar (database versions not stated): ExAC 0.00001; gnomAD 0.00001; gnomAD exomes 0.00002; TOPMed below 0.00001.
gnomAD v4.1: 25 of 1,613,896 alleles (0.0015%); highest among the groups gnomAD compares: Non-Finnish European, 0.0021%; no homozygotes.

Submissions (2):

Ambry Genetics
Classification: Uncertain significance for Cardiovascular phenotype. Last evaluated: 2025-06-22. Review status: criteria provided, single submitter. Criteria: Ambry Variant Classification Scheme 2023. Collection method: clinical testing. Allele origin: germline.
Comment: The p.D2539G variant (also known as c.7616A>G), located in coding exon 38 of the ANK2 gene, results from an A to G substitution at nucleotide position 7616. The aspartic acid at codon 2539 is replaced by glycine, an amino acid with similar properties. This amino acid position is conserved. In addition, the in silico prediction for this alteration is inconclusive. Based on the available evidence, the clinical significance of this variant remains unclear.

Labcorp Genetics (formerly Invitae), Labcorp
Classification: Uncertain significance for Long QT syndrome. Last evaluated: 2024-01-03. Review status: criteria provided, single submitter. Criteria: Invitae Variant Classification Sherloc (09022015). Collection method: clinical testing. Allele origin: germline.
Comment: This sequence change replaces aspartic acid, which is acidic and polar, with glycine, which is neutral and non-polar, at codon 2539 of the ANK2 protein (p.Asp2539Gly). This variant is present in population databases (rs745427219, gnomAD 0.002%). This variant has not been reported in the literature in individuals affected with ANK2-related conditions. ClinVar contains an entry for this variant (Variation ID: 2200881). Advanced modeling of protein sequence and biophysical properties (such as structural, functional, and spatial information, amino acid conservation, physicochemical variation, residue mobility, and thermodynamic stability) has been performed at Invitae for this missense variant, however the output from this modeling did not meet the statistical confidence thresholds required to predict the impact of this variant on ANK2 protein function. In summary, the available evidence is currently insufficient to determine the role of this variant in disease. Therefore, it has been classified as a Variant of Uncertain Significance.